The following is an entry in ClinVar:

ClinVar aggregate classification (germline): Benign/Likely benign. Review status: criteria provided, multiple submitters, no conflicts (2 of 4 stars). 3 submissions from 3 submitters: Benign (1); Likely benign (1). 1 of the submissions does not count toward it. Last evaluated 2018-06-25.

Conditions:
PTPRM-related disorder. Also called: PTPRM-related condition.

Allele frequency attached by ClinVar (database versions not stated): 1000 Genomes Project 30x 0.00062; 1000 Genomes Project 0.00080; gnomAD 0.00123 and 0.00133; ESP Exome Variant Server 0.00131; TOPMed 0.00139.
gnomAD v4.1: 359 of 1,589,680 alleles (0.023%); highest among the groups gnomAD compares: African/African-American, 0.42%; no homozygotes.

Submissions (3):

Labcorp Genetics (formerly Invitae), Labcorp
Classification: Benign. Last evaluated: 2018-06-25. Review status: criteria provided, single submitter. Criteria: Invitae Variant Classification Sherloc (09022015). Collection method: clinical testing. Allele origin: germline.

Breakthrough Genomics
Classification: Likely benign. Review status: criteria provided, single submitter. Criteria: ACMG Guidelines, 2015. Collection method: not provided. Allele origin: germline. Inheritance: Unknown mechanism. Affected: yes.

PreventionGenetics, part of Exact Sciences
Classification: Likely benign for PTPRM-related condition. Last evaluated: 2019-08-09. Review status: no assertion criteria provided. Collection method: clinical testing. Allele origin: germline. Not counted in ClinVar's aggregate classification.
Comment: This variant is classified as likely benign based on ACMG/AMP sequence variant interpretation guidelines (Richards et al. 2015 PMID: 25741868, with internal and published modifications).

NM_001105244.2(PTPRM):c.664-9T>C

Gene: PTPRM (protein tyrosine phosphatase receptor type M; plus strand). Cytogenetic location: 18p11.23.
Variant type: single nucleotide variant.
Coding change: c.664-9T>C on transcript NM_001105244.2 (MANE Select); 9 bases into the intron before coding-DNA position 664, T replaced by C.
Molecular consequence: intron variant.
Genome position (GRCh38, 1-based): chr18:7,949,172, T>C. VCF-style: chr18-7949172-T-C. GRCh37 (hg19) VCF-style: chr18-7949170-T-C.
Other names: c.664-9T>C (NM_002845.4); c.25-9T>C (NM_001378147.1, NM_001378145.1, NM_001378144.1 and 3 more transcripts).
Identifiers: ClinVar variation 742474 (VCV000742474.6), dbSNP rs373902112, ClinGen allele CA8883956.